The following is an entry in ClinVar:

ClinVar aggregate classification (germline): Pathogenic (1 of 4 stars; one submission).

Conditions:
Primary ciliary dyskinesia. Also called: Ciliary dyskinesia. Identifiers: Orphanet 244, MedGen C0008780, MONDO:0016575, HP:0012265.

Allele frequency attached by ClinVar (database versions not stated): gnomAD exomes below 0.00001.
gnomAD v4.1: 11 of 1,613,326 alleles (0.00068%); highest among the groups gnomAD compares: African/African-American, 0.004%; no homozygotes.

Submission:

Labcorp Genetics (formerly Invitae), Labcorp
Classification: Pathogenic for Primary ciliary dyskinesia. Last evaluated: 2020-03-17. Review status: criteria provided, single submitter. Criteria: Invitae Variant Classification Sherloc (09022015). Collection method: clinical testing. Allele origin: germline.
Comment: For these reasons, this variant has been classified as Pathogenic. Loss-of-function variants in DNAAF1 are known to be pathogenic (PMID: 19944400, 19944405). This variant has not been reported in the literature in individuals with DNAAF1-related conditions. This variant is present in population databases (rs372303284, ExAC 0.01%). This sequence change creates a premature translational stop signal (p.Gln308*) in the DNAAF1 gene. It is expected to result in an absent or disrupted protein product.

Literature cited by the submitters: PubMed 19944400; PubMed 19944405.

NM_178452.6(DNAAF1):c.922C>T (p.Gln308Ter)

Gene: DNAAF1 (dynein axonemal assembly factor 1; plus strand). Cytogenetic location: 16q24.1.
Variant type: single nucleotide variant.
Coding change: c.922C>T on transcript NM_178452.6 (MANE Select); coding-DNA position 922, C replaced by T.
Protein change: p.Gln308Ter; replaces glutamine 308 with a stop codon.
Molecular consequence: nonsense.
Genome position (GRCh38, 1-based): chr16:84,165,841, C>T. VCF-style: chr16-84165841-C-T. GRCh37 (hg19) VCF-style: chr16-84199447-C-T.
Other names: c.166C>T, p.Gln56Ter (NM_001318756.1); short protein forms Q308*, Q56*.
Identifiers: ClinVar variation 1069363 (VCV001069363.7), dbSNP rs372303284, ClinGen allele CA8202662.